The following is an entry in ClinVar:

NM_032237.5(POMK):c.383C>T (p.Ser128Phe)

Gene: POMK (protein O-mannose kinase; plus strand). Cytogenetic location: 8p11.21.
Variant type: single nucleotide variant.
Coding change: c.383C>T on transcript NM_032237.5 (MANE Select); coding-DNA position 383, C replaced by T.
Protein change: p.Ser128Phe; replaces serine 128 with phenylalanine.
Molecular consequence: missense variant.
Genome position (GRCh38, 1-based): chr8:43,122,207, C>T. VCF-style: chr8-43122207-C-T. GRCh37 (hg19) VCF-style: chr8-42977350-C-T.
Other names: c.383C>T, p.Ser128Phe (NM_001277971.2); short protein forms S128F.
Identifiers: ClinVar variation 1374746 (VCV001374746.8), dbSNP rs1482823387, ClinGen allele CA371121484.
Genomic context (GRCh38, chr8:43,122,207, plus strand): 5'-CACAGCTCACCAGCCTGGAGATGAAAGATGATTTCCTCCATGGACTGCAGATGCTGAAAT[C>T]TCTCCAAGGCACACATGTTGTCACGCTGCTTGGCTATTGTGAGGATGACAACACTATGCT-3'
Protein context (NP_115613.1, residues 118-138): DFLHGLQMLK[Ser128Phe]LQGTHVVTLL

ClinVar aggregate classification (germline): Uncertain significance (1 of 4 stars; one submission).

Conditions:
Muscular dystrophy-dystroglycanopathy (congenital with brain and eye anomalies), type a, 12 (MDDGA12). Also called: WALKER-WARBURG SYNDROME OR MUSCLE-EYE-BRAIN DISEASE, POMK-RELATED. Identifiers: Orphanet 899, MedGen C3808964, MONDO:0014101, OMIM 615249.
Limb-girdle muscular dystrophy due to POMK deficiency. Also called: Muscular dystrophy-dystroglycanopathy (limb-girdle), type c, 12; MUSCULAR DYSTROPHY-DYSTROGLYCANOPATHY, LIMB-GIRDLE, POMK-RELATED. Identifiers: Orphanet 445110, MedGen C4015184, MONDO:0014489, OMIM 616094.

Submission:

Labcorp Genetics (formerly Invitae), Labcorp
Classification: Uncertain significance for Muscular dystrophy-dystroglycanopathy (congenital with brain and eye anomalies), type a, 12; Limb-girdle muscular dystrophy due to POMK deficiency. Last evaluated: 2023-11-10. Review status: criteria provided, single submitter. Criteria: Invitae Variant Classification Sherloc (09022015). Collection method: clinical testing. Allele origin: germline.
Comment: This sequence change replaces serine, which is neutral and polar, with phenylalanine, which is neutral and non-polar, at codon 128 of the POMK protein (p.Ser128Phe). This variant is not present in population databases (gnomAD no frequency). This variant has not been reported in the literature in individuals affected with POMK-related conditions. ClinVar contains an entry for this variant (Variation ID: 1374746). Advanced modeling of protein sequence and biophysical properties (such as structural, functional, and spatial information, amino acid conservation, physicochemical variation, residue mobility, and thermodynamic stability) performed at Invitae indicates that this missense variant is not expected to disrupt POMK protein function with a negative predictive value of 80%. In summary, the available evidence is currently insufficient to determine the role of this variant in disease. Therefore, it has been classified as a Variant of Uncertain Significance.